The following is an entry in ClinVar:

NM_001037335.2(HELZ2):c.5636G>A (p.Ser1879Asn)

Gene: HELZ2 (helicase with zinc finger 2; minus strand). Cytogenetic location: 20q13.33.
Variant type: single nucleotide variant.
Coding change: c.5636G>A on transcript NM_001037335.2 (MANE Select); coding-DNA position 5636, G replaced by A.
Protein change: p.Ser1879Asn; replaces serine 1879 with asparagine.
Molecular consequence: missense variant.
Genome position (GRCh38, 1-based): chr20:63,563,186, C>T on the plus strand (G>A on the coding strand, the complement: HELZ2 is on the minus strand). VCF-style: chr20-63563186-C-T. GRCh37 (hg19) VCF-style: chr20-62194539-C-T.
Other names: c.3929G>A, p.Ser1310Asn (NM_033405.3); short protein forms S1310N, S1879N.
Identifiers: ClinVar variation 2618201 (VCV002618201.3), dbSNP rs1569030554, ClinGen allele CA409667285.

ClinVar aggregate classification (germline): Uncertain significance (1 of 4 stars; one submission).

Allele frequency attached by ClinVar (database versions not stated): gnomAD 0.00001.
gnomAD v4.1: 5 of 1,590,368 alleles (0.00031%); highest among the groups gnomAD compares: East Asian, 0.0023%; no homozygotes.

Submission:

Ambry Genetics
Classification: Uncertain significance. Last evaluated: 2026-07-03. Review status: criteria provided, single submitter. Criteria: Ambry Variant Classification Scheme 2023. Collection method: clinical testing. Allele origin: germline.
Comment: The c.5636G>A (p.S1879N) alteration is located in exon 9 (coding exon 8) of the HELZ2 gene. This alteration results from a G to A substitution at nucleotide position 5636, causing the serine (S) at amino acid position 1879 to be replaced by an asparagine (N). Based on data from gnomAD, the A allele has an overall frequency of 0.003% (1/31342) total alleles studied. The highest observed frequency was <0.001% (/) of alleles. Based on insufficient or conflicting evidence, the clinical significance of this alteration remains unclear.